The following is an entry in ClinVar:

ClinVar aggregate classification (germline): Uncertain significance. Review status: criteria provided, multiple submitters, no conflicts (2 of 4 stars). 3 submissions from 3 submitters: Uncertain significance (3). Last evaluated 2025-07-24.

Conditions:
Inborn genetic diseases. Identifiers: MedGen C0950123, MeSH D030342.

Allele frequency attached by ClinVar (database versions not stated): ExAC 0.00005; gnomAD exomes 0.00008 and 0.00019; gnomAD 0.00011 and 0.00013; TOPMed 0.00011; ESP Exome Variant Server 0.00015.
gnomAD v4.1: 304 of 1,613,714 alleles (0.019%); highest among the groups gnomAD compares: Non-Finnish European, 0.024%; no homozygotes.

Submissions (3):

Labcorp Genetics (formerly Invitae), Labcorp
Classification: Uncertain significance. Last evaluated: 2025-07-24. Review status: criteria provided, single submitter. Criteria: Invitae Variant Classification Sherloc (09022015). Collection method: clinical testing. Allele origin: germline.
Comment: This sequence change replaces isoleucine, which is neutral and non-polar, with methionine, which is neutral and non-polar, at codon 797 of the PLD1 protein (p.Ile797Met). This variant is present in population databases (rs140049612, gnomAD 0.02%). This variant has not been reported in the literature in individuals affected with PLD1-related conditions. ClinVar contains an entry for this variant (Variation ID: 1305778). Invitae Evidence Modeling of protein sequence and biophysical properties (such as structural, functional, and spatial information, amino acid conservation, physicochemical variation, residue mobility, and thermodynamic stability) indicates that this missense variant is expected to disrupt PLD1 protein function with a positive predictive value of 80%. In summary, the available evidence is currently insufficient to determine the role of this variant in disease. Therefore, it has been classified as a Variant of Uncertain Significance.

Ambry Genetics
Classification: Uncertain significance for Inborn genetic diseases. Last evaluated: 2022-08-11. Review status: criteria provided, single submitter. Criteria: Ambry Variant Classification Scheme 2023. Collection method: clinical testing. Allele origin: germline.

GeneDx
Classification: Uncertain significance. Last evaluated: 2019-05-21. Review status: criteria provided, single submitter. Criteria: GeneDx Variant Classification Process June 2021. Collection method: clinical testing. Allele origin: germline. Affected: yes.
Comment: In silico analysis, which includes protein predictors and evolutionary conservation, supports a deleterious effect; Has not been previously published as pathogenic or benign to our knowledge; Variants in candidate genes are classified as variants of uncertain significance in accordance with ACMG guidelines (Richards et al., 2015)

NM_002662.5(PLD1):c.2391A>G (p.Ile797Met)

Gene: PLD1 (phospholipase D1; minus strand). Cytogenetic location: 3q26.31.
Variant type: single nucleotide variant.
Coding change: c.2391A>G on transcript NM_002662.5 (MANE Select); coding-DNA position 2391, A replaced by G.
Protein change: p.Ile797Met; replaces isoleucine 797 with methionine.
Molecular consequence: missense variant.
Genome position (GRCh38, 1-based): chr3:171,659,251, T>C on the plus strand (A>G on the coding strand, the complement: PLD1 is on the minus strand). VCF-style: chr3-171659251-T-C. GRCh37 (hg19) VCF-style: chr3-171377041-T-C.
Other names: c.2277A>G, p.Ile759Met (NM_001130081.3); short protein forms I759M, I797M.
Identifiers: ClinVar variation 1305778 (VCV001305778.5), dbSNP rs140049612, ClinGen allele CA2704272.